The following continues an entry in ClinVar:

NM_003119.4(SPG7):c.1529C>T (p.Ala510Val)

Gene: SPG7. ClinVar aggregate classification (germline): Pathogenic/Likely pathogenic. Pathogenic (55); Likely pathogenic (11).

Submissions 59 to 74 of 101:

Illumina Laboratory Services, Illumina
Classification: Pathogenic for Spastic Paraplegia, Recessive. Last evaluated: 2016-06-14. Review status: criteria provided, single submitter. Criteria: ICSL Variant Classification 20161018. Collection method: clinical testing. Allele origin: germline.
Comment: The c.1529C>T (p.Ala510Val) variant has been reported in at least 12 studies in which it is found in at least 70 patients, including 13 in a homozygous state, 47 in a compound heterozygous state, and ten in a heterozygous state with no second variant identified. The variant was also found in a heterozygous state in four unaffected siblings of patients (Elleuch et al. 2007; Arnoldi et al. 2008; Brugman et al. 2008; Bonn et al. 2010; Schlipf et al. 2011; Klebe et al. 2012; Roxburgh et al. 2013; SÃ¡nchez-Ferrero et al. 2013; Yoon et al. 2013; Pfeffer et al. 2014; Pyle et al. 2015; Choquet et al. 2016). The p.Ala510Val variant was identified in a heterozygous state in five of 777 control individuals and in two of 200 control chromosomes, and is reported at a frequency of 0.00497 in the European population of the 1000 Genomes Project. Of note, this variant is also reported in a homozygous state in two individuals in the Exome Aggregation Consortium, however, given the wide variability in age of onset seen in this disorder, the presence of two homozygotes in this database does not provide evidence against pathogenicity. Bonn et al. (2010) conducted yeast complementation assays to study the activity of paraplegin variants identified in their study, and found that the p.Ala510Val variant demonstrated impaired proteolytic function in this assay. Based on the collective evidence, the p.Ala510Val variant is classified as pathogenic for spastic paraplegia.

Clinical Genetics and Genomics, Karolinska University Hospital
Classification: Pathogenic. Last evaluated: 2016-02-24. Review status: criteria provided, single submitter. Criteria: ACMG Guidelines, 2015. Collection method: clinical testing. Allele origin: germline. Affected: yes. Observed: 1 variant allele.

Eurofins Ntd Llc (ga)
Classification: Likely pathogenic. Last evaluated: 2015-03-04. Review status: criteria provided, single submitter. Criteria: EGL Classification Definitions 2015. Collection method: clinical testing. Allele origin: germline. Observed: 6 variant alleles, 6 heterozygotes.

ARUP Laboratories, Molecular Genetics and Genomics, ARUP Laboratories
Classification: Pathogenic for Hereditary spastic paraplegia 7. Review status: criteria provided, single submitter. Criteria: ARUP Molecular Germline Variant Investigation Process 2024. Collection method: clinical testing. Allele origin: germline.
Comment: The SPG7 c.1529C>T; p.Ala510Val variant (rs61755320; ClinVar Variation ID: 42016) is the most common SPG7 variant reported as both homozygous and compound heterozygous in individuals with recessive late onset hereditary spastic paraplegia; cognitive and emotional dysfunction, psychosis and auditory hallucination have been reported in certain of these individuals (Campins-Romeu 2021, Gass 2017, Mancini 2019, Pfeffer 2015, Ringman 2020, Roxburgh 2013, Zhang 2017). This variant is found in the general population with an overall allele frequency of 0.3% (820/282858 alleles, including 2 homozygotes) in the Genome Aggregation Database (v2.1.1). Functional analyses of the variant protein by yeast complementation assay show impaired function (Bonn 2010). Based on the available information, this variant is considered pathogenic. Computational analyses predict that this variant is deleterious (REVEL: 0.923). Based on available information, this variant is considered to be pathogenic. References: Bonn F et al. Functional evaluation of paraplegin mutations by a yeast complementation assay. Hum Mutat. 2010 May. PMID: 20186691 Campins-Romeu M et al. Hereditary Spastic Paraplegia 7 Presenting as Multifocal Dystonia with Prominent Cranio-Cervical Involvement. Mov Disord Clin Pract. 2021 Aug. PMID: 34405107 Gass J et al. Expanded phenotype in a patient with spastic paraplegia 7. Clin Case Rep. 2017 Oct. PMID: 29026558 Mancini C et al. Prevalence and phenotype of the c.1529C>T SPG7 variant in adult-onset cerebellar ataxia in Italy. Eur J Neurol. 2019 Jan. PMID: 30098094 Pfeffer G et al. SPG7 mutations are a common cause of undiagnosed ataxia. Neurology. 2015 Mar 17. PMID: 25681447 Ringman JM et al. Emotional detachment, gait ataxia, and cerebellar dysconnectivity associated with compound heterozygous mutations in the SPG7 gene. Neurocase. 2020 Oct. PMID: 32893728 Roxburgh RH et al. The p.Ala510Val mutation in the SPG7 (paraplegin) gene is the most common mutation causing adult onset neurogenetic disease in patients of British ancestry. J Neurol. 2013 May. PMID: 23269439 Zhang L et al. SPG7 and Impaired Emotional Communication. Cerebellum. 2017 Apr. PMID: 27557734

Clinical Genetics Service, Universitary Hospital 12 de Octubre
Classification: Pathogenic for Hereditary spastic paraplegia 7. Review status: criteria provided, single submitter. Criteria: ACMG Guidelines, 2015. Collection method: clinical testing. Allele origin: germline. Affected: yes.

Genomics England Pilot Project, Genomics England
Classification: Pathogenic for Hereditary spastic paraplegia 7. Review status: criteria provided, single submitter. Criteria: ACGS Guidelines, 2016. Collection method: clinical testing. Allele origin: germline. Affected: yes.

Neurogenetics of motion laboratory, Montreal Neurological Institute
Classification: Pathogenic for Spastic paraplegia 7. Review status: criteria provided, single submitter. Criteria: ACMG Guidelines, 2015. Collection method: case-control. Allele origin: germline. Affected: yes. Observed: 11 compound heterozygotes, 1 homozygote. Clinical features observed: Ataxia, Spasticity, Dysarthria, Nystagmus. Study: Care4Rare - Neurogenetics of motion laboratory. Segregation with disease observed.

Paris Brain Institute, Inserm - ICM
Classification: Pathogenic for Hereditary spastic paraplegia 7. Review status: criteria provided, single submitter. Criteria: ACMG Guidelines, 2015. Collection method: clinical testing. Allele origin: unknown. Affected: yes. Observed: 50 variant alleles.

Clinical Genetics Laboratory, University Hospital Schleswig-Holstein
Classification: Pathogenic for Hereditary spastic paraplegia 7. Last evaluated: 2023-11-07. Review status: no assertion criteria provided. Collection method: clinical testing. Allele origin: germline. Affected: yes. Not counted in ClinVar's aggregate classification.

Solve-RD Consortium
Classification: Likely pathogenic for Hereditary spastic paraplegia 7. Last evaluated: 2022-06-01. Review status: no assertion criteria provided. Collection method: provider interpretation. Allele origin: inherited. Affected: yes. Not counted in ClinVar's aggregate classification.
Comment: Variant confirmed as disease-causing by referring clinical team

Variant identified during reanalysis of unsolved cases by the Solve-RD project. The Solve-RD project has received funding from the European Union’s Horizon 2020 research and innovation programme under grant agreement No 779257.

Genetic Services Laboratory, University of Chicago
Classification: Pathogenic for Hereditary spastic paraplegia 7. Last evaluated: 2021-08-09. Review status: no assertion criteria provided. Collection method: clinical testing. Allele origin: germline. Affected: yes. Not counted in ClinVar's aggregate classification.
Comment: DNA sequence analysis of the SPG7 gene demonstrated a sequence change, c.1529C>T, in exon 11 that results in an amino acid change, p.Ala510Val. This sequence change has been described in the gnomAD database with a frequency of 0.48% in the non-Finnish European subpopulation (dbSNP rs61755320). This sequence change has previously been identified in the homozygous and compound heterozygous states in individuals and families with hereditary spastic paraplegia (PMIDs: 26626314, 30098094, 23269439, 16534102) and is one of the common pathogenic variants described in the SPG7 gene. The p.Ala510Val change affects a highly conserved amino acid residue located in a known functional domain of the SPG7 protein. The p.Ala510Val substitution appears to be deleterious using several in-silico pathogenicity prediction tools (SIFT, PolyPhen2, Align GVGD, REVEL). Functional studies show p.Ala510Val impairs the function of the SPG7 protein (PMID: 20186691). Collectively this evidence suggests p.Ala510Val is pathogenic.

Clinical Genomics Laboratory, Stanford Medicine
Classification: Pathogenic for Hereditary spastic paraplegia 7. Last evaluated: 2020-06-19. Review status: no assertion criteria provided. Collection method: clinical testing. Allele origin: germline. Inheritance: Autosomal recessive inheritance. Affected: yes. Not counted in ClinVar's aggregate classification.
Comment: The p.Ala510Val variant in the SPG7 gene has been previously reported in >30 unrelated individuals with ataxia and co-segregated with disease in 12 affected relatives from 5 families(Mancini et al., 2019; Ngo et al., 2020; Roxburgh et al., 2013;Sun et al., 2019). All affected individuals were homozygous/compound heterozygous. The p.Ala510Val variant has previously been identified in trans with multiple different disease-associated variants consistent with autosomal recessive inheritance.The presence of this variant with a likely disease causing variant on the opposite allele increases suspicion for its pathogenicity. This variant has been identified in 621/129,168 European (non-Finnish)chromosomes by the Genome Aggregation Database.Although this variant has been seen in the general population, its frequency is low enough to be consistent with a recessive carrier frequency.Computational tools predict that this variant is deleterious; however, the accuracy of in silico algorithms is limited.Functional studies of this variant are supportive of a deleterious effect to the protein; however, the current available evidence is not sufficient to support a disease-causing effect (Bonn et al., 2010).These data were assessed using the ACMG/AMP variant interpretation guidelines. In summary, there is sufficient evidence to classify the p.Ala510Val variant as pathogenic for autosomal recessive spastic paraplegia 7based on the information above. [ACMG evidence codes used: PM3_VeryStrong;PP3; PP1]

OMIM
Classification: Pathogenic for SPASTIC PARAPLEGIA 7, AUTOSOMAL RECESSIVE, WITH CEREBELLAR ATAXIA. Last evaluated: 2013-03-01. Review status: no assertion criteria provided. Collection method: literature only. Allele origin: germline. Not counted in ClinVar's aggregate classification.

Diagnostic Laboratory, Department of Genetics, University Medical Center Groningen
Classification: Pathogenic. Review status: no assertion criteria provided. Collection method: clinical testing. Allele origin: germline. Affected: yes. Study: VKGL Data-share Consensus. Not counted in ClinVar's aggregate classification.

Dr. Peter K. Rogan Lab, Western University
No classification provided (evidence only). Condition: Clear cell carcinoma of kidney. Review status: no classification provided. Collection method: in vitro. Allele origin: not applicable. Functional consequence: retained intron. Not counted in ClinVar's aggregate classification.

Dr. Peter K. Rogan Lab, Western University
No classification provided (evidence only). Condition: Clear cell carcinoma of kidney. Review status: no classification provided. Collection method: in vitro. Allele origin: not applicable. Functional consequence: skipped exon, retained intron. Not counted in ClinVar's aggregate classification.